The following is an entry in ClinVar:

ClinVar aggregate classification (germline): Likely pathogenic (1 of 4 stars; one submission).

Allele frequency attached by ClinVar (database versions not stated): gnomAD exomes 0.00001; TOPMed 0.00002.
gnomAD v4.1: 3 of 1,614,140 alleles (0.00019%); highest among the groups gnomAD compares: Admixed American, 0.0033%; no homozygotes.

Submission:

GeneDx
Classification: Likely pathogenic. Last evaluated: 2021-04-15. Review status: criteria provided, single submitter. Criteria: GeneDx Variant Classification Process June 2021. Collection method: clinical testing. Allele origin: germline. Affected: yes.
Comment: Nonsense variant predicted to result in protein truncation or nonsense mediated decay in a gene for which loss-of-function is a known mechanism of disease; Not observed at a significant frequency in large population cohorts (Lek et al., 2016); Has not been previously published as pathogenic or benign to our knowledge

NM_016343.4(CENPF):c.6949C>T (p.Gln2317Ter)

Gene: CENPF (centromere protein F; plus strand). Cytogenetic location: 1q41.
Variant type: single nucleotide variant.
Coding change: c.6949C>T on transcript NM_016343.4 (MANE Select); coding-DNA position 6949, C replaced by T.
Protein change: p.Gln2317Ter; replaces glutamine 2317 with a stop codon.
Molecular consequence: nonsense.
Genome position (GRCh38, 1-based): chr1:214,646,519, C>T. VCF-style: chr1-214646519-C-T. GRCh37 (hg19) VCF-style: chr1-214819862-C-T.
Other names: short protein forms Q2317*.
Identifiers: ClinVar variation 620565 (VCV000620565.3), dbSNP rs1362606570, ClinGen allele CA344848658.